The following is an entry in ClinVar:

NM_000043.6(FAS):c.578A>G (p.Lys193Arg)

Gene: FAS (Fas cell surface death receptor; plus strand). Cytogenetic location: 10q23.31.
Variant type: single nucleotide variant.
Coding change: c.578A>G on transcript NM_000043.6 (MANE Select); coding-DNA position 578, A replaced by G.
Protein change: p.Lys193Arg; replaces lysine 193 with arginine.
Molecular consequence: missense variant. On other transcripts: non-coding transcript variant (6), intron variant (1).
Genome position (GRCh38, 1-based): chr10:89,012,008, A>G. VCF-style: chr10-89012008-A-G. GRCh37 (hg19) VCF-style: chr10-90771765-A-G.
Other names: c.515A>G, p.Lys172Arg (NM_152871.4); c.578A>G, p.Lys193Arg (NM_152872.4); c.568+1193A>G (NM_001320619.2); short protein forms K193R, K172R.
Identifiers: ClinVar variation 522316 (VCV000522316.61), dbSNP rs150489856, ClinGen allele CA5593165.
Genomic context (GRCh38, chr10:89,012,008, plus strand): 5'-GCATTCTACAAGGCTGAGACCTGAGTTGATAAAATTTCTTTGTTCTTTCAGTGAAGAGAA[A>G]GGAAGTACAGAAAACATGCAGAAAGCACAGAAAGGAAAACCAAGGTTCTCATGAATCTCC-3'
Protein context (NP_000034.1, residues 183-203): PIPLIVWVKR[Lys193Arg]EVQKTCRKHR

ClinVar aggregate classification (germline): Conflicting classifications of pathogenicity. Review status: criteria provided, conflicting classifications (1 of 4 stars). 7 submissions from 7 submitters: Uncertain significance (2); Benign (1); Likely benign (3). 1 of the submissions does not count toward it. Last evaluated 2025-12-22.

Conditions:
Autoimmune lymphoproliferative syndrome type 1. Also called: AUTOIMMUNE LYMPHOPROLIFERATIVE SYNDROME, TYPE I, AUTOSOMAL DOMINANT. Identifiers: Orphanet 3261, MedGen C2717884, MONDO:0011158, OMIM 601859.

Allele frequency attached by ClinVar (database versions not stated): ExAC 0.00007; gnomAD exomes 0.00010; ESP Exome Variant Server 0.00015; TOPMed 0.00021; gnomAD 0.00025 and 0.00026; 1000 Genomes Project 30x 0.00031; 1000 Genomes Project 0.00040.
gnomAD v4.1: 234 of 1,613,926 alleles (0.014%); highest among the groups gnomAD compares: Admixed American, 0.047%; 1 homozygote.

Submissions (7):

Labcorp Genetics (formerly Invitae), Labcorp
Classification: Uncertain significance for Autoimmune lymphoproliferative syndrome. Last evaluated: 2025-12-22. Review status: criteria provided, single submitter. Criteria: Invitae Variant Classification Sherloc (09022015). Collection method: clinical testing. Allele origin: germline.
Comment: This sequence change replaces lysine, which is basic and polar, with arginine, which is basic and polar, at codon 193 of the FAS protein (p.Lys193Arg). This variant is present in population databases (rs150489856, gnomAD 0.02%). This variant has not been reported in the literature in individuals affected with FAS-related conditions. ClinVar contains an entry for this variant (Variation ID: 522316). Invitae Evidence Modeling of protein sequence and biophysical properties (such as structural, functional, and spatial information, amino acid conservation, physicochemical variation, residue mobility, and thermodynamic stability) has been performed for this missense variant. However, the output from this modeling did not meet the statistical confidence thresholds required to predict the impact of this variant on FAS protein function. In summary, the available evidence is currently insufficient to determine the role of this variant in disease. Therefore, it has been classified as a Variant of Uncertain Significance.

GeneDx
Classification: Uncertain significance. Last evaluated: 2025-06-11. Review status: criteria provided, single submitter. Criteria: GeneDx Variant Classification Process June 2021. Collection method: clinical testing. Allele origin: germline. Affected: yes.
Comment: In silico analysis suggests that this missense variant does not alter protein structure/function; Has not been previously published as pathogenic or benign to our knowledge

CeGaT Center for Human Genetics Tuebingen
Classification: Likely benign. Last evaluated: 2024-08-01. Review status: criteria provided, single submitter. Criteria: CeGaT Center For Human Genetics Tuebingen Variant Classification Criteria Version 2. Collection method: clinical testing. Allele origin: germline. Affected: yes. Observed: 1 variant allele.
Comment: FAS: BP4

Illumina Laboratory Services, Illumina
Classification: Benign for Autoimmune lymphoproliferative syndrome type 1. Last evaluated: 2018-01-13. Review status: criteria provided, single submitter. Criteria: ICSL Variant Classification Criteria 13 December 2019. Collection method: clinical testing. Allele origin: germline.
Comment: This variant was observed in the ICSL laboratory as part of a predisposition screen in an ostensibly healthy population. It had not been previously curated by ICSL or reported in the Human Gene Mutation Database (HGMD: prior to June 1st, 2018), and was therefore a candidate for classification through an automated scoring system. Utilizing variant allele frequency, disease prevalence and penetrance estimates, and inheritance mode, an automated score was calculated to assess if this variant is too frequent to cause the disease. Based on the score and internal cut-off values, a variant classified as benign is not then subjected to further curation. The score for this variant resulted in a classification of benign for this disease.

Clinical Genetics DNA and cytogenetics Diagnostics Lab, Erasmus MC, Erasmus Medical Center
Classification: Likely benign for Autoimmune lymphoproliferative syndrome type 1. Last evaluated: 2017-06-09. Review status: criteria provided, single submitter. Criteria: ACGS Guidelines, 2013. Collection method: clinical testing. Allele origin: germline. Affected: yes. Study: VKGL Data-share Consensus.

Center for Genomics, Ann and Robert H. Lurie Children's Hospital of Chicago
Classification: Likely benign for Autoimmune lymphoproliferative syndrome type 1. Review status: criteria provided, single submitter. Criteria: ACMG Guidelines, 2015. Collection method: clinical testing. Allele origin: germline.
Comment: FAS NM_000043.5 exon 7 p.Lys193Arg (c.578A>G): This variant has not been reported in the literature but is present in 0.1% (16/15288) of Latino alleles including 1 homozygote in the Genome Aggregation Database. This variant is present in ClinVar, with classifications ranging from Variant of Uncertain Significance to Benign (Variation ID:522316). Evolutionary conservation for this variant is limited or unavailable; computational predictive tools suggest that this variant may not impact the protein. In summary, data on this variant is insufficient for disease classification. Therefore, the clinical significance of this variant is uncertain

Genome Diagnostics Laboratory, Amsterdam University Medical Center
Classification: Likely benign for Autoimmune lymphoproliferative syndrome type 1. Last evaluated: 2016-01-24. Review status: no assertion criteria provided. Criteria: ACGS Guidelines, 2013. Collection method: clinical testing. Allele origin: germline. Affected: yes. Study: VKGL Data-share Consensus. Not counted in ClinVar's aggregate classification.